The following is an entry in ClinVar:

ClinVar aggregate classification (germline): Likely benign. Review status: criteria provided, multiple submitters, no conflicts (2 of 4 stars). 4 submissions from 4 submitters: Likely benign (4). Last evaluated 2026-08-19.

Conditions:
PKHD1-related disorder. Also called: PKHD1-related condition.
Polycystic kidney disease 4 (PKD4). Also called: Autosomal Recessive Polycystic Kidney Disease – PKHD1; POLYCYSTIC KIDNEY DISEASE 4 WITH OR WITHOUT POLYCYSTIC LIVER DISEASE; POLYCYSTIC KIDNEY AND HEPATIC DISEASE 1; POLYCYSTIC KIDNEY DISEASE, INFANTILE, TYPE I; PKD3. Identifiers: MedGen C4540575, MONDO:0033004, OMIM 263200.
Autosomal recessive polycystic kidney disease (ARPKD). Also called: AR polycystic kidney disease. Identifiers: Orphanet 731, Orphanet 8378, MedGen C0085548, MeSH D017044, MONDO:0009889.

Allele frequency attached by ClinVar (database versions not stated): gnomAD exomes 0.00002; ExAC 0.00003; ESP Exome Variant Server 0.00008.
gnomAD v4.1: 45 of 1,613,588 alleles (0.0028%); highest among the groups gnomAD compares: Non-Finnish European, 0.0036%; no homozygotes.

Submissions (4):

PreventionGenetics, part of Exact Sciences
Classification: Likely benign for PKHD1-related condition. Last evaluated: 2026-08-19. Review status: criteria provided, single submitter. Criteria: ACMG Guidelines, 2015. Collection method: clinical testing. Allele origin: germline.
Comment: This variant is classified as likely benign based on ACMG/AMP sequence variant interpretation guidelines (Richards et al. 2015 PMID: 25741868, with internal and published modifications).

CeGaT Center for Human Genetics Tuebingen
Classification: Likely benign. Last evaluated: 2026-05-01. Review status: criteria provided, single submitter. Criteria: CeGaT Center For Human Genetics Tuebingen Variant Classification Criteria Version 2. Collection method: clinical testing. Allele origin: germline. Affected: yes. Observed: 1 variant allele.
Comment: PKHD1: BP4, BP7

Labcorp Genetics (formerly Invitae), Labcorp
Classification: Likely benign for Autosomal recessive polycystic kidney disease. Last evaluated: 2026-01-13. Review status: criteria provided, single submitter. Criteria: Invitae Variant Classification Sherloc (09022015). Collection method: clinical testing. Allele origin: germline.

Fulgent Genetics
Classification: Likely benign for Polycystic kidney disease 4. Last evaluated: 2022-01-07. Review status: criteria provided, single submitter. Criteria: ACMG Guidelines, 2015. Collection method: clinical testing. Allele origin: unknown.

NM_138694.4(PKHD1):c.2550G>A (p.Leu850=)

Gene: PKHD1 (PKHD1 ciliary IPT domain containing fibrocystin/polyductin; minus strand). Cytogenetic location: 6p12.2.
Variant type: single nucleotide variant.
Coding change: c.2550G>A on transcript NM_138694.4 (MANE Select); coding-DNA position 2550, G replaced by A.
Protein change: p.Leu850=; no amino-acid change (leucine 850 retained).
Molecular consequence: synonymous variant.
Genome position (GRCh38, 1-based): chr6:52,046,046, C>T on the plus strand (G>A on the coding strand, the complement: PKHD1 is on the minus strand). VCF-style: chr6-52046046-C-T. GRCh37 (hg19) VCF-style: chr6-51910844-C-T.
Other names: c.2550G>A, p.Leu850= (NM_170724.3); c.2550G>A (NM_138694.3).
Identifiers: ClinVar variation 1110470 (VCV001110470.13), dbSNP rs140920157, ClinGen allele CA3853185.